The following is an entry in ClinVar:

ClinVar aggregate classification (germline): Benign/Likely benign. Review status: criteria provided, multiple submitters, no conflicts (2 of 4 stars). 4 submissions from 4 submitters: Benign (2); Likely benign (2). Last evaluated 2026-01-08.

Conditions:
Intestinal hypomagnesemia 1. Also called: HYPOMAGNESEMIA, INTESTINAL, WITH SECONDARY HYPOCALCEMIA; HYPOMAGNESEMIC TETANY. Identifiers: Orphanet 30924, MedGen C1865974, MONDO:0011176, OMIM 602014.

Allele frequency attached by ClinVar (database versions not stated): TOPMed 0.00066; ESP Exome Variant Server 0.00077; 1000 Genomes Project 30x 0.00094; 1000 Genomes Project 0.00120; gnomAD 0.00584 and 0.00610; ExAC 0.00627; gnomAD exomes 0.00694.
gnomAD v4.1: 5,089 of 1,614,160 alleles (0.32%); highest among the groups gnomAD compares: Non-Finnish European, 0.079%; 128 homozygotes.

Submissions (4):

Labcorp Genetics (formerly Invitae), Labcorp
Classification: Benign. Last evaluated: 2026-01-08. Review status: criteria provided, single submitter. Criteria: Invitae Variant Classification Sherloc (09022015). Collection method: clinical testing. Allele origin: germline.

Fulgent Genetics
Classification: Likely benign for Intestinal hypomagnesemia 1. Last evaluated: 2021-12-05. Review status: criteria provided, single submitter. Criteria: ACMG Guidelines, 2015. Collection method: clinical testing. Allele origin: unknown.

GeneDx
Classification: Benign. Last evaluated: 2021-01-20. Review status: criteria provided, single submitter. Criteria: GeneDx Variant Classification Process June 2021. Collection method: clinical testing. Allele origin: germline. Affected: yes.

Illumina Laboratory Services, Illumina
Classification: Likely benign for Intestinal hypomagnesemia 1. Last evaluated: 2018-01-13. Review status: criteria provided, single submitter. Criteria: ICSL Variant Classification Criteria 13 December 2019. Collection method: clinical testing. Allele origin: germline.
Comment: This variant was observed in the ICSL laboratory as part of a predisposition screen in an ostensibly healthy population. It had not been previously curated by ICSL or reported in the Human Gene Mutation Database (HGMD: prior to June 1st, 2018), and was therefore a candidate for classification through an automated scoring system. Utilizing variant allele frequency, disease prevalence and penetrance estimates, and inheritance mode, an automated score was calculated to assess if this variant is too frequent to cause the disease. Based on the score and internal cut-off values, a variant classified as likely benign is not then subjected to further curation. The score for this variant resulted in a classification of likely benign for this disease.

NM_017662.5(TRPM6):c.4569A>T (p.Thr1523=)

Gene: TRPM6 (transient receptor potential cation channel subfamily M member 6; minus strand). Cytogenetic location: 9q21.13.
Variant type: single nucleotide variant.
Coding change: c.4569A>T on transcript NM_017662.5 (MANE Select); coding-DNA position 4569, A replaced by T.
Protein change: p.Thr1523=; no amino-acid change (threonine 1523 retained).
Molecular consequence: synonymous variant.
Genome position (GRCh38, 1-based): chr9:74,762,102, T>A on the plus strand (A>T on the coding strand, the complement: TRPM6 is on the minus strand). VCF-style: chr9-74762102-T-A. GRCh37 (hg19) VCF-style: chr9-77377018-T-A.
Other names: c.4554A>T, p.Thr1518= (NM_001177310.2, NM_001177311.2).
Identifiers: ClinVar variation 367304 (VCV000367304.16), dbSNP rs150409948, ClinGen allele CA5084092.
Genomic context (GRCh38, chr9:74,762,102, plus strand): 5'-TCTAAAACTATGACTCCTAGCGAAGGGCCTGTATCTGCGGAGAGGATTGATCCAAAAGGA[T>A]GTGTTTGGCTGAAGCCATGGTCCCACCTCTGAGCATTCACTACTCTGGGCCGATCTTGTT-3'
Protein context (NP_060132.3, residues 1513-1533): SEVGPWLQPN[Thr1523=]SFWINPLRRY